The following is an entry in ClinVar:

ClinVar aggregate classification (germline): Uncertain significance (1 of 4 stars; one submission).

Conditions:
Hereditary cancer-predisposing syndrome. Also called: Tumor predisposition; Neoplastic Syndromes, Hereditary; Hereditary neoplastic syndrome; Hereditary Cancer Syndrome. Identifiers: Orphanet 140162, MedGen C0027672, MeSH D009386, MONDO:0015356.

Submission:

Ambry Genetics
Classification: Uncertain significance for Hereditary cancer-predisposing syndrome. Last evaluated: 2025-07-22. Review status: criteria provided, single submitter. Criteria: Ambry Variant Classification Scheme 2023. Collection method: clinical testing. Allele origin: germline.
Comment: The p.A145S variant (also known as c.433G>T), located in coding exon 4 of the MITF gene, results from a G to T substitution at nucleotide position 433. The alanine at codon 145 is replaced by serine, an amino acid with similar properties. This amino acid position is conserved. In addition, this alteration is predicted to be tolerated by in silico analysis. Based on the available evidence, the clinical significance of this variant remains unclear.

NM_001354604.2(MITF):c.754G>T (p.Ala252Ser)

Gene: MITF (melanocyte inducing transcription factor; plus strand). Cytogenetic location: 3p13.
Variant type: single nucleotide variant.
Coding change: c.754G>T on transcript NM_001354604.2 (MANE Select); coding-DNA position 754, G replaced by T.
Protein change: p.Ala252Ser; replaces alanine 252 with serine.
Molecular consequence: missense variant.
Genome position (GRCh38, 1-based): chr3:69,941,323, G>T. VCF-style: chr3-69941323-G-T. GRCh37 (hg19) VCF-style: chr3-69990474-G-T.
Other names: c.433G>T, p.Ala145Ser (NM_000248.4, NM_198158.3); c.598G>T, p.Ala200Ser (NM_001184967.2, NM_001354608.2); c.751G>T, p.Ala251Ser (NM_001354605.2, NM_001354606.2, NM_006722.3); c.703G>T, p.Ala235Ser (NM_001354607.2); c.754G>T, p.Ala252Ser (NM_198159.3); c.706G>T, p.Ala236Ser (NM_198177.3); c.265G>T, p.Ala89Ser (NM_198178.3); short protein forms A89S, A236S, A252S, A145S, A200S, A235S, A251S.
Identifiers: ClinVar variation 4108292 (VCV004108292.1).